The following is an entry in ClinVar:

NM_031885.5(BBS2):c.1437T>C (p.Pro479=)

Gene: BBS2 (Bardet-Biedl syndrome 2; minus strand). Cytogenetic location: 16q13.
Variant type: single nucleotide variant.
Coding change: c.1437T>C on transcript NM_031885.5 (MANE Select); coding-DNA position 1437, T replaced by C.
Protein change: p.Pro479=; no amino-acid change (proline 479 retained).
Molecular consequence: synonymous variant. On other transcripts: non-coding transcript variant (5).
Genome position (GRCh38, 1-based): chr16:56,499,868, A>G on the plus strand (T>C on the coding strand, the complement: BBS2 is on the minus strand). VCF-style: chr16-56499868-A-G. GRCh37 (hg19) VCF-style: chr16-56533780-A-G.
Other names: c.1437T>C, p.Pro479= (NM_001377456.1).
Identifiers: ClinVar variation 697757 (VCV000697757.12), dbSNP rs747415803, ClinGen allele CA495586540.

ClinVar aggregate classification (germline): Likely benign. Review status: criteria provided, single submitter (1 of 4 stars). 3 submissions from 3 submitters: Likely benign (1). 2 of the submissions do not count toward it. Last evaluated 2023-10-27.

Conditions:
BBS2-related disorder. Also called: BBS2-related condition; BBS2-related disorders. Identifiers: MedGen CN239228.
Bardet-Biedl syndrome (BBS). Identifiers: Orphanet 110, MedGen C0752166, MONDO:0015229.
Bardet-Biedl syndrome 2 (BBS2). Identifiers: Orphanet 110, MedGen C2936863, MONDO:0014432, OMIM 615981.

Allele frequency attached by ClinVar (database versions not stated): TOPMed below 0.00001; gnomAD 0.00001; gnomAD exomes 0.00001.
gnomAD v4.1: 10 of 1,614,052 alleles (0.00062%); highest among the groups gnomAD compares: Admixed American, 0.015%; no homozygotes.

Submissions (3):

Labcorp Genetics (formerly Invitae), Labcorp
Classification: Likely benign for Bardet-Biedl syndrome. Last evaluated: 2023-10-27. Review status: criteria provided, single submitter. Criteria: Invitae Variant Classification Sherloc (09022015). Collection method: clinical testing. Allele origin: germline.

PreventionGenetics, part of Exact Sciences
Classification: Likely benign for BBS2-related condition. Last evaluated: 2024-04-09. Review status: no assertion criteria provided. Collection method: clinical testing. Allele origin: germline. Not counted in ClinVar's aggregate classification.
Comment: This variant is classified as likely benign based on ACMG/AMP sequence variant interpretation guidelines (Richards et al. 2015 PMID: 25741868, with internal and published modifications).

Natera, Inc.
Classification: Uncertain significance for Bardet-Biedl syndrome type 2. Last evaluated: 2020-01-17. Review status: no assertion criteria provided. Collection method: clinical testing. Allele origin: germline. Not counted in ClinVar's aggregate classification.